The following is an entry in ClinVar:

ClinVar aggregate classification (germline): Uncertain significance (1 of 4 stars; one submission).

Conditions:
Cystic fibrosis (CF). Also called: MUCOVISCIDOSIS. Identifiers: Orphanet 586, MedGen C0010674, MONDO:0009061, OMIM 219700. Disease mechanism: loss of function.

Submission:

Ambry Genetics
Classification: Uncertain significance for Cystic fibrosis. Last evaluated: 2026-07-25. Review status: criteria provided, single submitter. Criteria: Ambry Variant Classification Scheme 2023. Collection method: clinical testing. Allele origin: germline.
Comment: The p.S256R variant (also known as c.766A>C), located in coding exon 7 of the CFTR gene, results from an A to C substitution at nucleotide position 766. The serine at codon 256 is replaced by arginine, an amino acid with dissimilar properties. This amino acid position is conserved. In addition, the in silico prediction for this alteration is inconclusive. Based on the available evidence, the clinical significance of this variant remains unclear.

NM_000492.4(CFTR):c.766A>C (p.Ser256Arg)

Gene: CFTR (CF transmembrane conductance regulator; plus strand). Cytogenetic location: 7q31.2.
Variant type: single nucleotide variant.
Coding change: c.766A>C on transcript NM_000492.4 (MANE Select); coding-DNA position 766, A replaced by C.
Protein change: p.Ser256Arg; replaces serine 256 with arginine.
Molecular consequence: missense variant.
Genome position (GRCh38, 1-based): chr7:117,536,570, A>C. VCF-style: chr7-117536570-A-C. GRCh37 (hg19) VCF-style: chr7-117176624-A-C.
Other names: short protein forms S256R.
Identifiers: ClinVar variation 5034447 (VCV005034447.1).